The following is an entry in ClinVar:

NM_015378.4(VPS13D):c.6225G>C (p.Val2075=)

Gene: VPS13D (vacuolar protein sorting 13 homolog D; plus strand). Cytogenetic location: 1p36.22.
Variant type: single nucleotide variant.
Coding change: c.6225G>C on transcript NM_015378.4 (MANE Select); coding-DNA position 6225, G replaced by C.
Protein change: p.Val2075=; no amino-acid change (valine 2075 retained).
Molecular consequence: synonymous variant.
Genome position (GRCh38, 1-based): chr1:12,304,514, G>C. VCF-style: chr1-12304514-G-C. GRCh37 (hg19) VCF-style: chr1-12364571-G-C.
Other names: c.6225G>C, p.Val2075= (NM_018156.4).
Identifiers: ClinVar variation 2113719 (VCV002113719.4), dbSNP rs762396986, ClinGen allele CA602542.

ClinVar aggregate classification (germline): Uncertain significance (1 of 4 stars; one submission).

Allele frequency attached by ClinVar (database versions not stated): TOPMed below 0.00001; ExAC 0.00002.
gnomAD v4.1: 3 of 1,613,322 alleles (0.00019%); highest among the groups gnomAD compares: Admixed American, 0.005%; no homozygotes.

Submission:

Labcorp Genetics (formerly Invitae), Labcorp
Classification: Uncertain significance. Last evaluated: 2022-05-04. Review status: criteria provided, single submitter. Criteria: Invitae Variant Classification Sherloc (09022015). Collection method: clinical testing. Allele origin: germline.
Comment: In summary, the available evidence is currently insufficient to determine the role of this variant in disease. Therefore, it has been classified as a Variant of Uncertain Significance. Algorithms developed to predict the effect of sequence changes on RNA splicing suggest that this variant may disrupt the consensus splice site. This variant has not been reported in the literature in individuals affected with VPS13D-related conditions. This variant is present in population databases (rs762396986, gnomAD 0.006%). This sequence change affects codon 2075 of the VPS13D mRNA. It is a 'silent' change, meaning that it does not change the encoded amino acid sequence of the VPS13D protein.